The following is an entry in ClinVar:

ClinVar aggregate classification (germline): Likely benign. Review status: criteria provided, multiple submitters, no conflicts (2 of 4 stars). 2 submissions from 2 submitters: Likely benign (2). Last evaluated 2024-03-01.

Conditions:
Inborn genetic diseases. Identifiers: MedGen C0950123, MeSH D030342.

Allele frequency attached by ClinVar (database versions not stated): gnomAD exomes below 0.00001; TOPMed below 0.00001.

Submissions (2):

CeGaT Center for Human Genetics Tuebingen
Classification: Likely benign. Last evaluated: 2024-03-01. Review status: criteria provided, single submitter. Criteria: CeGaT Center For Human Genetics Tuebingen Variant Classification Criteria Version 2. Collection method: clinical testing. Allele origin: germline. Affected: yes. Observed: 1 variant allele.
Comment: ERCC2: PM2:Supporting, BP4, BP7

Ambry Genetics
Classification: Likely benign for Inborn genetic diseases. Last evaluated: 2022-08-09. Review status: criteria provided, single submitter. Criteria: Ambry Variant Classification Scheme 2023. Collection method: clinical testing. Allele origin: germline.

NM_000400.4(ERCC2):c.1689G>A (p.Arg563=)

Gene: ERCC2 (ERCC excision repair 2, TFIIH core complex helicase subunit; minus strand). Cytogenetic location: 19q13.32.
Variant type: single nucleotide variant.
Coding change: c.1689G>A on transcript NM_000400.4 (MANE Select); coding-DNA position 1689, G replaced by A.
Protein change: p.Arg563=; no amino-acid change (arginine 563 retained).
Molecular consequence: synonymous variant.
Genome position (GRCh38, 1-based): chr19:45,353,311, C>T on the plus strand (G>A on the coding strand, the complement: ERCC2 is on the minus strand). VCF-style: chr19-45353311-C-T. GRCh37 (hg19) VCF-style: chr19-45856569-C-T.
Identifiers: ClinVar variation 1778084 (VCV001778084.22), dbSNP rs1971891735, ClinGen allele CA507819384.